The following is an entry in ClinVar:

NM_021930.6(RINT1):c.1650A>G (p.Leu550=)

Gene: RINT1 (RAD50 interactor 1; plus strand). Cytogenetic location: 7q22.3.
Variant type: single nucleotide variant.
Coding change: c.1650A>G on transcript NM_021930.6 (MANE Select); coding-DNA position 1650, A replaced by G.
Protein change: p.Leu550=; no amino-acid change (leucine 550 retained).
Molecular consequence: synonymous variant.
Genome position (GRCh38, 1-based): chr7:105,555,206, A>G. VCF-style: chr7-105555206-A-G. GRCh37 (hg19) VCF-style: chr7-105195653-A-G.
Other names: c.1416A>G, p.Leu472= (NM_001346599.2); c.627A>G, p.Leu209= (NM_001346600.2, NM_001346603.2); c.726A>G, p.Leu242= (NM_001346601.2).
Identifiers: ClinVar variation 416382 (VCV000416382.28), dbSNP rs138957640, ClinGen allele CA4426723.

ClinVar aggregate classification (germline): Likely benign. Review status: criteria provided, multiple submitters, no conflicts (2 of 4 stars). 3 submissions from 3 submitters: Likely benign (3). Last evaluated 2024-09-01.

Allele frequency attached by ClinVar (database versions not stated): TOPMed 0.00002.
gnomAD v4.1: 12 of 1,613,674 alleles (0.00074%); highest among the groups gnomAD compares: Admixed American, 0.017%; no homozygotes.

Submissions (3):

CeGaT Center for Human Genetics Tuebingen
Classification: Likely benign. Last evaluated: 2024-09-01. Review status: criteria provided, single submitter. Criteria: CeGaT Center For Human Genetics Tuebingen Variant Classification Criteria Version 2. Collection method: clinical testing. Allele origin: germline. Affected: yes. Observed: 1 variant allele.
Comment: RINT1: BP4, BP7

Labcorp Genetics (formerly Invitae), Labcorp
Classification: Likely benign. Last evaluated: 2023-08-27. Review status: criteria provided, single submitter. Criteria: Invitae Variant Classification Sherloc (09022015). Collection method: clinical testing. Allele origin: germline.

Ambry Genetics
Classification: Likely benign. Last evaluated: 2021-01-13. Review status: criteria provided, single submitter. Criteria: Ambry Variant Classification Scheme 2023. Collection method: clinical testing. Allele origin: germline.